The following is an entry in ClinVar:

NM_000199.5(SGSH):c.406T>A (p.Phe136Ile)

Gene: SGSH (N-sulfoglucosamine sulfohydrolase; minus strand). Cytogenetic location: 17q25.3.
Variant type: single nucleotide variant.
Coding change: c.406T>A on transcript NM_000199.5 (MANE Select); coding-DNA position 406, T replaced by A.
Protein change: p.Phe136Ile; replaces phenylalanine 136 with isoleucine.
Molecular consequence: missense variant. On other transcripts: non-coding transcript variant (1).
Genome position (GRCh38, 1-based): chr17:80,214,715, A>T on the plus strand (T>A on the coding strand, the complement: SGSH is on the minus strand). VCF-style: chr17-80214715-A-T. GRCh37 (hg19) VCF-style: chr17-78188514-A-T.
Other names: c.406T>A, p.Phe136Ile (NM_001352921.3, NM_001352922.2); short protein forms F136I.
Identifiers: ClinVar variation 2170786 (VCV002170786.1), dbSNP rs764852930, ClinGen allele CA8818026.
Genomic context (GRCh38, chr17:80,214,715, plus strand): 5'-TAATTCTAGTGATGTTCCGCCCCACCTGGAGGACGGAGCCATTCTCCTCCGTGTACGCAA[A>T]GTCAAACGGGTACACGGTCTCCGGCCCCACGTGCTTCTTCCCGATGATGCCTGGGCGGGA-3'
Protein context (NP_000190.1, residues 126-146): VGPETVYPFD[Phe136Ile]AYTEENGSVL

ClinVar aggregate classification (germline): Uncertain significance (1 of 4 stars; one submission).

Conditions:
Mucopolysaccharidosis, MPS-III-A (MPS3A). Also called: HEPARAN SULFATE SULFATASE DEFICIENCY; SANFILIPPO SYNDROME A; SULFAMIDASE DEFICIENCY; MPS III A; Mucopolysaccharidosis, type IIIA; MUCOPOLYSACCHARIDOSIS, TYPE IIIA, ATTENUATED. Identifiers: Orphanet 581, Orphanet 79269, MedGen C0086647, MONDO:0009655, OMIM 252900.

Allele frequency attached by ClinVar (database versions not stated): ExAC 0.00001; gnomAD exomes below 0.00001.
gnomAD v4.1: 2 of 1,613,158 alleles (0.00012%); highest among the groups gnomAD compares: Admixed American, 0.0017%; no homozygotes.

Submission:

Labcorp Genetics (formerly Invitae), Labcorp
Classification: Uncertain significance for Mucopolysaccharidosis, MPS-III-A. Last evaluated: 2022-09-07. Review status: criteria provided, single submitter. Criteria: Invitae Variant Classification Sherloc (09022015). Collection method: clinical testing. Allele origin: germline.
Comment: This sequence change replaces phenylalanine, which is neutral and non-polar, with isoleucine, which is neutral and non-polar, at codon 136 of the SGSH protein (p.Phe136Ile). This variant is present in population databases (rs764852930, gnomAD 0.003%). This variant has not been reported in the literature in individuals affected with SGSH-related conditions. Advanced modeling of protein sequence and biophysical properties (such as structural, functional, and spatial information, amino acid conservation, physicochemical variation, residue mobility, and thermodynamic stability) performed at Invitae indicates that this missense variant is expected to disrupt SGSH protein function. In summary, the available evidence is currently insufficient to determine the role of this variant in disease. Therefore, it has been classified as a Variant of Uncertain Significance.